The following is an entry in ClinVar:

NM_152618.3(BBS12):c.555C>T (p.Thr185=)

Gene: BBS12 (Bardet-Biedl syndrome 12; plus strand). Cytogenetic location: 4q27.
Variant type: single nucleotide variant.
Coding change: c.555C>T on transcript NM_152618.3 (MANE Select); coding-DNA position 555, C replaced by T.
Protein change: p.Thr185=; no amino-acid change (threonine 185 retained).
Molecular consequence: synonymous variant.
Genome position (GRCh38, 1-based): chr4:122,742,447, C>T. VCF-style: chr4-122742447-C-T. GRCh37 (hg19) VCF-style: chr4-123663602-C-T.
Other names: c.555C>T, p.Thr185= (NM_001178007.2); c.555C>T (NM_152618.2).
Identifiers: ClinVar variation 1653062 (VCV001653062.10), dbSNP rs1800894181, ClinGen allele CA441120360.
Genomic context (GRCh38, chr4:122,742,447, plus strand): 5'-AGATACTGATTTGATAGAGGAATTGCATGGTCTCAAAGATGTTGCCTCTCAAACACTGAC[C>T]ATTTCCAACCTTTCTGGGAGACCTCTTAAATCATATGAATTATTTAAACCTCAGACAAAG-3'
Protein context (NP_689831.2, residues 175-195): GLKDVASQTL[Thr185=]ISNLSGRPLK

ClinVar aggregate classification (germline): Likely benign. Review status: criteria provided, multiple submitters, no conflicts (2 of 4 stars). 3 submissions from 3 submitters: Likely benign (3). Last evaluated 2024-11-21.

Conditions:
Bardet-Biedl syndrome (BBS). Identifiers: Orphanet 110, MedGen C0752166, MONDO:0015229.
BBS12-related disorder. Also called: BBS12-related condition.
Bardet-Biedl syndrome 12 (BBS12). Identifiers: Orphanet 110, MedGen C1859570, MONDO:0014440, OMIM 615989.

Allele frequency attached by ClinVar (database versions not stated): gnomAD exomes below 0.00001; TOPMed below 0.00001.
gnomAD v4.1: 3 of 1,614,140 alleles (0.00019%); highest among the groups gnomAD compares: Middle Eastern, 0.016%; no homozygotes.

Submissions (3):

PreventionGenetics, part of Exact Sciences
Classification: Likely benign for BBS12-related condition. Last evaluated: 2024-11-21. Review status: criteria provided, single submitter. Criteria: ACMG Guidelines, 2015. Collection method: clinical testing. Allele origin: germline.
Comment: This variant is classified as likely benign based on ACMG/AMP sequence variant interpretation guidelines (Richards et al. 2015 PMID: 25741868, with internal and published modifications).

Labcorp Genetics (formerly Invitae), Labcorp
Classification: Likely benign for Bardet-Biedl syndrome. Last evaluated: 2024-01-03. Review status: criteria provided, single submitter. Criteria: Invitae Variant Classification Sherloc (09022015). Collection method: clinical testing. Allele origin: germline.

Fulgent Genetics
Classification: Likely benign for Bardet-Biedl syndrome 12. Last evaluated: 2021-08-10. Review status: criteria provided, single submitter. Criteria: ACMG Guidelines, 2015. Collection method: clinical testing. Allele origin: unknown.